The following is an entry in ClinVar:

ClinVar aggregate classification (germline): Uncertain significance (1 of 4 stars; one submission).

Submission:

Labcorp Genetics (formerly Invitae), Labcorp
Classification: Uncertain significance. Last evaluated: 2022-07-09. Review status: criteria provided, single submitter. Criteria: Invitae Variant Classification Sherloc (09022015). Collection method: clinical testing. Allele origin: germline.
Comment: This sequence change replaces serine, which is neutral and polar, with proline, which is neutral and non-polar, at codon 3526 of the FAT1 protein (p.Ser3526Pro). This variant is not present in population databases (gnomAD no frequency). This variant has not been reported in the literature in individuals affected with FAT1-related conditions. Algorithms developed to predict the effect of missense changes on protein structure and function are either unavailable or do not agree on the potential impact of this missense change (SIFT: "Tolerated"; PolyPhen-2: "Possibly Damaging"; Align-GVGD: "Class C0"). In summary, the available evidence is currently insufficient to determine the role of this variant in disease. Therefore, it has been classified as a Variant of Uncertain Significance.

NM_005245.4(FAT1):c.10576T>C (p.Ser3526Pro)

Genes: FAT1 (FAT atypical cadherin 1; minus strand), LOC126807254 (BRD4-independent group 4 enhancer GRCh37_chr4:187524269-187525468; plus strand). Cytogenetic location: 4q35.2.
Variant type: single nucleotide variant.
Coding change: c.10576T>C on transcript NM_005245.4 (MANE Select); coding-DNA position 10576, T replaced by C.
Protein change: p.Ser3526Pro; replaces serine 3526 with proline.
Molecular consequence: missense variant.
Genome position (GRCh38, 1-based): chr4:186,603,950, A>G on the plus strand (T>C on the coding strand, the complement: FAT1 is on the minus strand). VCF-style: chr4-186603950-A-G. GRCh37 (hg19) VCF-style: chr4-187525104-A-G.
Other names: short protein forms S3526P.
Identifiers: ClinVar variation 1942691 (VCV001942691.5), dbSNP rs1738963125, ClinGen allele CA358977047.
Genomic context (GRCh38, chr4:186,603,950, plus strand): 5'-AAATCGCAGGCGGATAGATGCTCTCCTCAATTACCCTAATGTCAATGTATGTCAAAGATG[A>G]CAACTGAGGCTTTCCATTATCTGCCACCTACAAGAAAAGAAAAATAAAATCACCTTTGTC-3'
Protein context (NP_005236.2, residues 3516-3536): KVADNGKPQL[Ser3526Pro]SLTYIDIRVI